The following is an entry in ClinVar:

NM_006277.3(ITSN2):c.352+9G>A

Gene: ITSN2 (intersectin 2; minus strand). Cytogenetic location: 2p23.3.
Variant type: single nucleotide variant.
Coding change: c.352+9G>A on transcript NM_006277.3 (MANE Select); 9 bases into the intron after coding-DNA position 352, G replaced by A.
Molecular consequence: intron variant.
Genome position (GRCh38, 1-based): chr2:24,312,203, C>T on the plus strand (G>A on the coding strand, the complement: ITSN2 is on the minus strand). VCF-style: chr2-24312203-C-T. GRCh37 (hg19) VCF-style: chr2-24535072-C-T.
Other names: c.352+9G>A (NM_006277.2, NM_001348182.2, NM_019595.4 and 4 more transcripts); c.310+9G>A (NM_001348181.2, NM_001348184.2).
Identifiers: ClinVar variation 2079210 (VCV002079210.6), dbSNP rs200528926, ClinGen allele CA1551803.

ClinVar aggregate classification (germline): Likely benign. Review status: criteria provided, single submitter (1 of 4 stars). 2 submissions from 2 submitters: Likely benign (1). 1 of the submissions does not count toward it. Last evaluated 2025-06-12.

Conditions:
ITSN2-related disorder. Also called: ITSN2-related condition.

Allele frequency attached by ClinVar (database versions not stated): gnomAD exomes 0.00001; ExAC 0.00007; gnomAD 0.00019; TOPMed 0.00020; ESP Exome Variant Server 0.00031; 1000 Genomes Project 0.00040.
gnomAD v4.1: 45 of 1,594,650 alleles (0.0028%); highest among the groups gnomAD compares: African/African-American, 0.054%; no homozygotes.

Submissions (2):

Labcorp Genetics (formerly Invitae), Labcorp
Classification: Likely benign. Last evaluated: 2025-06-12. Review status: criteria provided, single submitter. Criteria: Invitae Variant Classification Sherloc (09022015). Collection method: clinical testing. Allele origin: germline.

PreventionGenetics, part of Exact Sciences
Classification: Likely benign for ITSN2-related condition. Last evaluated: 2022-12-20. Review status: no assertion criteria provided. Collection method: clinical testing. Allele origin: germline. Not counted in ClinVar's aggregate classification.
Comment: This variant is classified as likely benign based on ACMG/AMP sequence variant interpretation guidelines (Richards et al. 2015 PMID: 25741868, with internal and published modifications).